The following is an entry in ClinVar:

NM_000334.4(SCN4A):c.53G>A (p.Arg18His)

Gene: SCN4A (sodium voltage-gated channel alpha subunit 4; minus strand). Cytogenetic location: 17q23.3.
Variant type: single nucleotide variant.
Coding change: c.53G>A on transcript NM_000334.4 (MANE Select); coding-DNA position 53, G replaced by A.
Protein change: p.Arg18His; replaces arginine 18 with histidine.
Molecular consequence: missense variant.
Genome position (GRCh38, 1-based): chr17:63,972,789, C>T on the plus strand (G>A on the coding strand, the complement: SCN4A is on the minus strand). VCF-style: chr17-63972789-C-T. GRCh37 (hg19) VCF-style: chr17-62050149-C-T.
Other names: short protein forms R18H.
Identifiers: ClinVar variation 1053113 (VCV001053113.14), dbSNP rs557359808, ClinGen allele CA8710299.

ClinVar aggregate classification (germline): Uncertain significance. Review status: criteria provided, multiple submitters, no conflicts (2 of 4 stars). 4 submissions from 4 submitters: Uncertain significance (4). Last evaluated 2025-04-15.

Conditions:
Hyperkalemic periodic paralysis. Also called: Gamstorp disease; Familial hyperkalemic periodic paralysis. Identifiers: Orphanet 682, MedGen C0238357, MONDO:0008224, OMIM 170500, HP:0007215.

Allele frequency attached by ClinVar (database versions not stated): ExAC 0.00001; gnomAD exomes 0.00001 and 0.00002; gnomAD 0.00002 and 0.00003; 1000 Genomes Project 30x 0.00016; 1000 Genomes Project 0.00020.
gnomAD v4.1: 29 of 1,613,614 alleles (0.0018%); highest among the groups gnomAD compares: South Asian, 0.0077%; no homozygotes.

Submissions (4):

Labcorp Genetics (formerly Invitae), Labcorp
Classification: Uncertain significance for Hyperkalemic periodic paralysis. Last evaluated: 2025-04-15. Review status: criteria provided, single submitter. Criteria: Invitae Variant Classification Sherloc (09022015). Collection method: clinical testing. Allele origin: germline.
Comment: This sequence change replaces arginine, which is basic and polar, with histidine, which is basic and polar, at codon 18 of the SCN4A protein (p.Arg18His). This variant is present in population databases (rs557359808, gnomAD 0.006%). This variant has not been reported in the literature in individuals affected with SCN4A-related conditions. ClinVar contains an entry for this variant (Variation ID: 1053113). Invitae Evidence Modeling of protein sequence and biophysical properties (such as structural, functional, and spatial information, amino acid conservation, physicochemical variation, residue mobility, and thermodynamic stability) indicates that this missense variant is not expected to disrupt SCN4A protein function with a negative predictive value of 95%. In summary, the available evidence is currently insufficient to determine the role of this variant in disease. Therefore, it has been classified as a Variant of Uncertain Significance.

Women's Health and Genetics/Laboratory Corporation of America, LabCorp
Classification: Uncertain significance. Last evaluated: 2024-08-27. Review status: criteria provided, single submitter. Criteria: LabCorp Variant Classification Summary - May 2015. Collection method: clinical testing. Allele origin: germline.
Comment: Variant summary: SCN4A c.53G>A (p.Arg18His) results in a non-conservative amino acid change in the encoded protein sequence. Four of five in-silico tools predict a damaging effect of the variant on protein function. The variant allele was found at a frequency of 8.1e-06 in 247636 control chromosomes. The available data on variant occurrences in the general population are insufficient to allow any conclusion about variant significance. To our knowledge, no occurrence of c.53G>A in individuals affected with Congenital Myopathy 22A, Classic and no experimental evidence demonstrating its impact on protein function have been reported. ClinVar contains an entry for this variant (Variation ID: 1053113). Based on the evidence outlined above, the variant was classified as uncertain significance.

Blueprint Genetics
Classification: Uncertain significance. Last evaluated: 2023-05-16. Review status: criteria provided, single submitter. Criteria: ACMG Guidelines, 2015. Collection method: clinical testing. Allele origin: germline.

Revvity Omics, Revvity
Classification: Uncertain significance. Last evaluated: 2019-05-31. Review status: criteria provided, single submitter. Criteria: ACMG Guidelines, 2015. Collection method: clinical testing. Allele origin: germline.